The following is an entry in ClinVar:

NM_001365276.2(TNXB):c.11263+10C>T

Genes: TNXB (tenascin XB; minus strand), LOC106780803 (tenascin XB recombination region; plus strand). Cytogenetic location: 6p21.33.
Variant type: single nucleotide variant.
Coding change: c.11263+10C>T on transcript NM_001365276.2 (MANE Select); 10 bases into the intron after coding-DNA position 11263, C replaced by T.
Molecular consequence: intron variant.
Genome position (GRCh38, 1-based): chr6:32,044,371, G>A on the plus strand (C>T on the coding strand, the complement: TNXB is on the minus strand). VCF-style: chr6-32044371-G-A. GRCh37 (hg19) VCF-style: chr6-32012148-G-A.
Other names: p.?; c.11257+10C>T (NM_019105.8); c.12004+10C>T (NM_001428335.1); c.550+10C>T (NM_032470.4).
Identifiers: ClinVar variation 4684943 (VCV004684943.1).

ClinVar aggregate classification (germline): Likely benign (1 of 4 stars; one submission).

Submission:

Mayo Clinic Laboratories, Mayo Clinic
Classification: Likely benign. Last evaluated: 2025-10-17. Review status: criteria provided, single submitter. Criteria: ACMG Guidelines, 2015. Collection method: clinical testing. Allele origin: germline. Observed: 1 variant allele.
Comment: BS1, BP4, BP7